The following is an entry in ClinVar:

NM_004369.4(COL6A3):c.3679+4C>G

Gene: COL6A3 (collagen type VI alpha 3 chain; minus strand). Cytogenetic location: 2q37.3.
Variant type: single nucleotide variant.
Coding change: c.3679+4C>G on transcript NM_004369.4 (MANE Select); 4 bases into the intron after coding-DNA position 3679, C replaced by G.
Molecular consequence: intron variant.
Genome position (GRCh38, 1-based): chr2:237,374,408, G>C on the plus strand (C>G on the coding strand, the complement: COL6A3 is on the minus strand). VCF-style: chr2-237374408-G-C. GRCh37 (hg19) VCF-style: chr2-238283051-G-C.
Other names: c.1858+4C>G (NM_057166.5); c.3061+4C>G (NM_057167.4, NM_057165.5); c.2458+4C>G (NM_057164.5).
Identifiers: ClinVar variation 3661208 (VCV003661208.2).

ClinVar aggregate classification (germline): Uncertain significance (1 of 4 stars; one submission).

Conditions:
Bethlem myopathy 1A. Also called: Bethlem myopathy 1; MYOPATHY, BENIGN CONGENITAL, WITH CONTRACTURES; Bethlem Muscular Dystrophy. Identifiers: Orphanet 610, MedGen CN029274, MONDO:0024530, OMIM 158810.

Submission:

Labcorp Genetics (formerly Invitae), Labcorp
Classification: Uncertain significance for Bethlem myopathy 1A. Last evaluated: 2024-08-01. Review status: criteria provided, single submitter. Criteria: Invitae Variant Classification Sherloc (09022015). Collection method: clinical testing. Allele origin: germline.
Comment: This sequence change falls in intron 8 of the COL6A3 gene. It does not directly change the encoded amino acid sequence of the COL6A3 protein. It affects a nucleotide within the consensus splice site. This variant is not present in population databases (gnomAD no frequency). This variant has not been reported in the literature in individuals affected with COL6A3-related conditions. Variants that disrupt the consensus splice site are a relatively common cause of aberrant splicing (PMID: 17576681, 9536098). Algorithms developed to predict the effect of sequence changes on RNA splicing suggest that this variant is not likely to affect RNA splicing. In summary, the available evidence is currently insufficient to determine the role of this variant in disease. Therefore, it has been classified as a Variant of Uncertain Significance.

Literature cited by the submitters: PubMed 17576681; PubMed 9536098.